The following is an entry in ClinVar:

NM_002796.3(PSMB4):c.762_770del (p.Trp254_Ala257delinsCys)

Gene: PSMB4 (proteasome 20S subunit beta 4; plus strand). Cytogenetic location: 1q21.3.
Variant type: Deletion.
Coding change: c.762_770del on transcript NM_002796.3 (MANE Select); coding-DNA positions 762 to 770, 9 bases deleted (GGATATTGC; older notation c.762_770delGGATATTGC).
Protein change: p.Trp254_Ala257delinsCys.
Molecular consequence: inframe indel.
Genome position (GRCh38, 1-based): chr1:151,401,610-151,401,618, GGATATTGC deleted. VCF-style (leftmost placement, unchanged base first): chr1-151401609-GGGATATTGC-G. GRCh37 (hg19) VCF-style: chr1-151374085-GGGATATTGC-G.
Identifiers: ClinVar variation 2053911 (VCV002053911.4), dbSNP rs2529161789, ClinGen allele CA2580061026.

ClinVar aggregate classification (germline): Uncertain significance (1 of 4 stars; one submission).

Submission:

Labcorp Genetics (formerly Invitae), Labcorp
Classification: Uncertain significance. Last evaluated: 2024-02-17. Review status: criteria provided, single submitter. Criteria: Invitae Variant Classification Sherloc (09022015). Collection method: clinical testing. Allele origin: germline.
Comment: This variant, c.762_770del, is a complex sequence change that results in the deletion of 4 and insertion of 1 amino acid(s) in the PSMB4 protein (p.Trp254_Ala257delinsCys). This variant is not present in population databases (gnomAD no frequency). This variant has not been reported in the literature in individuals affected with PSMB4-related conditions. ClinVar contains an entry for this variant (Variation ID: 2053911). Experimental studies and prediction algorithms are not available or were not evaluated, and the functional significance of this variant is currently unknown. In summary, the available evidence is currently insufficient to determine the role of this variant in disease. Therefore, it has been classified as a Variant of Uncertain Significance.